The following is an entry in ClinVar:

NM_024675.4(PALB2):c.2662A>C (p.Ile888Leu)

Gene: PALB2 (partner and localizer of BRCA2; minus strand). Cytogenetic location: 16p12.2.
Variant type: single nucleotide variant.
Coding change: c.2662A>C on transcript NM_024675.4 (MANE Select); coding-DNA position 2662, A replaced by C.
Protein change: p.Ile888Leu; replaces isoleucine 888 with leucine.
Molecular consequence: missense variant.
Genome position (GRCh38, 1-based): chr16:23,626,322, T>G on the plus strand (A>C on the coding strand, the complement: PALB2 is on the minus strand). VCF-style: chr16-23626322-T-G. GRCh37 (hg19) VCF-style: chr16-23637643-T-G.
Other names: short protein forms I888L.
Identifiers: ClinVar variation 922032 (VCV000922032.4), dbSNP rs786202468, ClinGen allele CA395122082.
Genomic context (GRCh38, chr16:23,626,322, plus strand): 5'-TTTCCCACTGCCAAGCATCCAGAGCTTTCCAAAGAGAAACTACATCTTCGCAAGCAGTTA[T>G]GATACATGGCTCTTTACAACCGGCTCTTTCCCAAAACATGGCACTCACATCTACGGAACA-3'
Protein context (NP_078951.2, residues 878-898): ERAGCKEPCI[Ile888Leu]TACEDVVSLW

ClinVar aggregate classification (germline): Uncertain significance (1 of 4 stars; one submission).

Conditions:
Hereditary cancer-predisposing syndrome. Also called: Neoplastic Syndromes, Hereditary; Tumor predisposition; Hereditary Cancer Syndrome; Hereditary neoplastic syndrome. Identifiers: Orphanet 140162, MedGen C0027672, MeSH D009386, MONDO:0015356.

Submission:

Color Diagnostics, LLC DBA Color Health
Classification: Uncertain significance for Hereditary cancer-predisposing syndrome. Last evaluated: 2023-12-04. Review status: criteria provided, single submitter. Criteria: ACMG Guidelines, 2015. Collection method: clinical testing. Allele origin: germline.
Comment: This missense variant replaces isoleucine with leucine at codon 888 of the PALB2 protein. Computational prediction suggests that this variant may not impact protein structure and function (internally defined REVEL score threshold <= 0.5, PMID: 27666373). To our knowledge, functional studies have not been reported for this variant. This variant has not been reported in individuals affected with PALB2-related disorders in the literature. This variant has not been identified in the general population by the Genome Aggregation Database (gnomAD). The available evidence is insufficient to determine the role of this variant in disease conclusively. Therefore, this variant is classified as a Variant of Uncertain Significance.